The following is an entry in ClinVar:

ClinVar aggregate classification (germline): Pathogenic/Likely pathogenic. Review status: criteria provided, multiple submitters, no conflicts (2 of 4 stars). 2 submissions from 2 submitters: Pathogenic (1); Likely pathogenic (1). Last evaluated 2023-10-05.

Conditions:
GATA2 deficiency with susceptibility to MDS/AML. Identifiers: MedGen CN300066, MONDO:0042982.
Deafness-lymphedema-leukemia syndrome. Also called: Emberger syndrome; Lymphedema, primary, with myelodysplasia. Identifiers: Orphanet 3226, MedGen C3279664, MONDO:0013540, OMIM 614038.
Monocytopenia with susceptibility to infections. Also called: GATA2 DEFICIENCY; IMMUNODEFICIENCY 21; MONOCYTOPENIA AND MYCOBACTERIAL INFECTION SYNDROME; MONOCYTOPENIA WITH SUSCEPTIBILITY TO MYCOBACTERIAL, FUNGAL, AND PAPILLOMAVIRUS INFECTIONS AND MYELODYSPLASIA; COMBINED IMMUNODEFICIENCY WITH SUSCEPTIBILITY TO MYCOBACTERIAL, VIRAL, AND FUNGAL INFECTIONS; Dendritic cell, monocyte, B lymphocyte, and natural killer lymphocyte deficiency. Identifiers: Orphanet 228423, MedGen C3280030, MONDO:0013607, OMIM 614172.

Submissions (2):

Labcorp Genetics (formerly Invitae), Labcorp
Classification: Likely pathogenic for Monocytopenia with susceptibility to infections; Deafness-lymphedema-leukemia syndrome. Last evaluated: 2023-10-05. Review status: criteria provided, single submitter. Criteria: Invitae Variant Classification Sherloc (09022015). Collection method: clinical testing. Allele origin: germline.
Comment: This sequence change replaces asparagine, which is neutral and polar, with lysine, which is basic and polar, at codon 371 of the GATA2 protein (p.Asn371Lys). This variant is not present in population databases (gnomAD no frequency). This missense change has been observed in individuals with GATA2-related conditions and/or myelodysplastic syndrome (PMID: 21670465, 24077845, 26702063; Invitae). ClinVar contains an entry for this variant (Variation ID: 1184162). Advanced modeling of protein sequence and biophysical properties (such as structural, functional, and spatial information, amino acid conservation, physicochemical variation, residue mobility, and thermodynamic stability) performed at Invitae indicates that this missense variant is expected to disrupt GATA2 protein function. In summary, the currently available evidence indicates that the variant is pathogenic, but additional data are needed to prove that conclusively. Therefore, this variant has been classified as Likely Pathogenic.

Molecular Pathology Research Laboratory, SA Pathology
Classification: Pathogenic for GATA2 deficiency with susceptibility to MDS/AML; Deafness-lymphedema-leukemia syndrome. Last evaluated: 2021-07-06. Review status: criteria provided, single submitter. Criteria: ACMG Guidelines, 2015. Collection method: curation. Allele origin: unknown. Inheritance: Autosomal dominant inheritance. Affected: yes. Observed: 2 variant alleles.
Comment: PS1, PS4_Moderate, PM1, PM2, PP3

Literature cited by the submitters: PubMed 21670465 (cited by Labcorp Genetics (formerly Invitae), Labcorp and Molecular Pathology Research Laboratory, SA Pathology); PubMed 24077845 (cited by Labcorp Genetics (formerly Invitae), Labcorp and Molecular Pathology Research Laboratory, SA Pathology); PubMed 26702063 (cited by Labcorp Genetics (formerly Invitae), Labcorp and Molecular Pathology Research Laboratory, SA Pathology); PubMed 24227816 (cited by Molecular Pathology Research Laboratory, SA Pathology); PubMed 20040766 (cited by Molecular Pathology Research Laboratory, SA Pathology).

NM_032638.5(GATA2):c.1113C>G (p.Asn371Lys)

Gene: GATA2 (GATA binding protein 2; minus strand). Cytogenetic location: 3q21.3.
Variant type: single nucleotide variant.
Coding change: c.1113C>G on transcript NM_032638.5 (MANE Select); coding-DNA position 1113, C replaced by G.
Protein change: p.Asn371Lys; replaces asparagine 371 with lysine.
Molecular consequence: missense variant.
Genome position (GRCh38, 1-based): chr3:128,481,849, G>C on the plus strand (C>G on the coding strand, the complement: GATA2 is on the minus strand). VCF-style: chr3-128481849-G-C. GRCh37 (hg19) VCF-style: chr3-128200692-G-C.
Other names: c.1113C>G, p.Asn371Lys (NM_001145661.2); c.1071C>G, p.Asn357Lys (NM_001145662.1); short protein forms N357K, N371K.
Identifiers: ClinVar variation 1184162 (VCV001184162.7), dbSNP rs376003468, ClinGen allele CA354413512.